The following is an entry in ClinVar:

NM_058246.4(DNAJB6):c.175+79T>C

Gene: DNAJB6 (DnaJ heat shock protein family (Hsp40) member B6; plus strand). Cytogenetic location: 7q36.3.
Variant type: single nucleotide variant.
Coding change: c.175+79T>C on transcript NM_058246.4 (MANE Select); 79 bases into the intron after coding-DNA position 175, T replaced by C.
Molecular consequence: intron variant.
Genome position (GRCh38, 1-based): chr7:157,363,349, T>C. VCF-style: chr7-157363349-T-C. GRCh37 (hg19) VCF-style: chr7-157156043-T-C.
Other names: c.175+79T>C (NM_001363676.1, NM_005494.3).
Identifiers: ClinVar variation 679302 (VCV000679302.2), dbSNP rs10264371, ClinGen allele CA12641762.
Genomic context (GRCh38, chr7:157,363,349, plus strand): 5'-CTGAAGGACCCTGAGCGGGCATGCCGGAATGCGGAGTGGGTGTTGGGATCCTCCTCAGGG[T>C]AGCACAGTATGGACTCAAGTGACTTGTTTTTGATGCCTACTGGATTTTGGGCCCTTCTAA-3'

ClinVar aggregate classification (germline): Benign. Review status: criteria provided, multiple submitters, no conflicts (2 of 4 stars). 2 submissions from 2 submitters: Benign (2). Last evaluated 2018-06-18.

Allele frequency attached by ClinVar (database versions not stated): gnomAD exomes 0.06316; 1000 Genomes Project 0.13279; gnomAD 0.13587 and 0.14327; 1000 Genomes Project 30x 0.13976; TOPMed 0.14672.
gnomAD v4.1: 67,549 of 887,518 alleles (7.6%); highest among the groups gnomAD compares: African/African-American, 34%; 5,190 homozygotes.

Submissions (2):

GeneDx
Classification: Benign. Last evaluated: 2018-06-18. Review status: criteria provided, single submitter. Criteria: GeneDx Variant Classification (06012015). Collection method: clinical testing. Allele origin: germline. Affected: yes.
Comment: This variant is considered likely benign or benign based on one or more of the following criteria: it is a conservative change, it occurs at a poorly conserved position in the protein, it is predicted to be benign by multiple in silico algorithms, and/or has population frequency not consistent with disease.

Breakthrough Genomics
Classification: Benign. Review status: criteria provided, single submitter. Criteria: ACMG Guidelines, 2015. Collection method: not provided. Allele origin: germline. Inheritance: Autosomal dominant inheritance. Affected: yes.